The following is an entry in ClinVar:

ClinVar aggregate classification (germline): Benign/Likely benign. Review status: criteria provided, multiple submitters, no conflicts (2 of 4 stars). 2 submissions from 2 submitters: Benign (1); Likely benign (1). Last evaluated 2026-05-01.

Allele frequency attached by ClinVar (database versions not stated): gnomAD exomes 0.00001; ExAC 0.00007; ESP Exome Variant Server 0.00008; gnomAD 0.00016; TOPMed 0.00025; 1000 Genomes Project 30x 0.00047; 1000 Genomes Project 0.00060.
gnomAD v4.1: 48 of 1,614,162 alleles (0.003%); highest among the groups gnomAD compares: African/African-American, 0.043%; no homozygotes.

Submissions (2):

CeGaT Center for Human Genetics Tuebingen
Classification: Likely benign. Last evaluated: 2026-05-01. Review status: criteria provided, single submitter. Criteria: CeGaT Center For Human Genetics Tuebingen Variant Classification Criteria Version 2. Collection method: clinical testing. Allele origin: germline. Affected: yes. Observed: 1 variant allele.
Comment: KMT2C: BP4, BP7

Labcorp Genetics (formerly Invitae), Labcorp
Classification: Benign. Last evaluated: 2022-10-17. Review status: criteria provided, single submitter. Criteria: Invitae Variant Classification Sherloc (09022015). Collection method: clinical testing. Allele origin: germline.

NM_170606.3(KMT2C):c.6903G>A (p.Gln2301=)

Gene: KMT2C (lysine methyltransferase 2C; minus strand). Cytogenetic location: 7q36.1.
Variant type: single nucleotide variant.
Coding change: c.6903G>A on transcript NM_170606.3 (MANE Select); coding-DNA position 6903, G replaced by A.
Protein change: p.Gln2301=; no amino-acid change (glutamine 2301 retained).
Molecular consequence: synonymous variant.
Genome position (GRCh38, 1-based): chr7:152,180,957, C>T on the plus strand (G>A on the coding strand, the complement: KMT2C is on the minus strand). VCF-style: chr7-152180957-C-T. GRCh37 (hg19) VCF-style: chr7-151878042-C-T.
Identifiers: ClinVar variation 2418370 (VCV002418370.9), dbSNP rs373489079, ClinGen allele CA4579987.